The following is an entry in ClinVar:

ClinVar aggregate classification (germline): Conflicting classifications of pathogenicity. Review status: criteria provided, conflicting classifications (1 of 4 stars). 4 submissions from 1 submitter: Uncertain significance (3); Likely benign (1). Last evaluated 2018-01-13.

Conditions:
Sphingolipid activator protein 1 deficiency. Also called: Metachromatic leukodystrophy due to saposin B deficiency; Saposin B Deficiency; METACHROMATIC LEUKODYSTROPHY DUE TO CEREBROSIDE SULFATASE ACTIVATOR DEFICIENCY. Identifiers: Orphanet 512, MedGen C0268262, MONDO:0009590, OMIM 249900.
Krabbe disease due to saposin A deficiency. Also called: Saposin A Deficiency; KRABBE DISEASE, ATYPICAL, DUE TO SAPOSIN A DEFICIENCY. Identifiers: Orphanet 487, MedGen C2673266, MONDO:0012720, OMIM 611722.
Combined PSAP deficiency (PSAPD). Also called: COMBINED SAP DEFICIENCY; PROSAPOSIN DEFICIENCY; Encephalopathy due to prosaposin deficiency. Identifiers: Orphanet 139406, MedGen C2673635, MONDO:0012719, OMIM 611721.
Gaucher disease due to saposin C deficiency. Also called: Atypical Gaucher disease due to saposin C deficiency; Saposin C Deficiency. Identifiers: Orphanet 309252, Orphanet 355, MedGen C1864651, MONDO:0012517, OMIM 610539.

Allele frequency attached by ClinVar (database versions not stated): gnomAD exomes 0.00007; gnomAD 0.00016; TOPMed 0.00032; 1000 Genomes Project 30x 0.00094; 1000 Genomes Project 0.00100.

Submissions (4):

Illumina Laboratory Services, Illumina
Classification: Uncertain significance for Combined PSAP deficiency. Last evaluated: 2018-01-13. Review status: criteria provided, single submitter. Criteria: ICSL Variant Classification Criteria 13 December 2019. Collection method: clinical testing. Allele origin: germline.

Illumina Laboratory Services, Illumina
Classification: Uncertain significance for Sphingolipid activator protein 1 deficiency. Last evaluated: 2018-01-13. Review status: criteria provided, single submitter. Criteria: ICSL Variant Classification Criteria 13 December 2019. Collection method: clinical testing. Allele origin: germline.

Illumina Laboratory Services, Illumina
Classification: Uncertain significance for Krabbe disease due to saposin A deficiency. Last evaluated: 2018-01-13. Review status: criteria provided, single submitter. Criteria: ICSL Variant Classification Criteria 13 December 2019. Collection method: clinical testing. Allele origin: germline.

Illumina Laboratory Services, Illumina
Classification: Likely benign for Gaucher disease due to saposin C deficiency. Last evaluated: 2018-01-13. Review status: criteria provided, single submitter. Criteria: ICSL Variant Classification Criteria 13 December 2019. Collection method: clinical testing. Allele origin: germline.
Comment: This variant was observed in the ICSL laboratory as part of a predisposition screen in an ostensibly healthy population. It had not been previously curated by ICSL or reported in the Human Gene Mutation Database (HGMD: prior to June 1st, 2018), and was therefore a candidate for classification through an automated scoring system. Utilizing variant allele frequency, disease prevalence and penetrance estimates, and inheritance mode, an automated score was calculated to assess if this variant is too frequent to cause the disease. Based on the score and internal cut-off values, a variant classified as likely benign is not then subjected to further curation. The score for this variant resulted in a classification of likely benign for this disease.

NM_002778.4(PSAP):c.*737G>A

Gene: PSAP (prosaposin; minus strand). Cytogenetic location: 10q22.1.
Variant type: single nucleotide variant.
Coding change: c.*737G>A on transcript NM_002778.4 (MANE Select); 737 bases downstream of the stop codon, G replaced by A.
Molecular consequence: 3 prime UTR variant.
Genome position (GRCh38, 1-based): chr10:71,816,704, C>T on the plus strand (G>A on the coding strand, the complement: PSAP is on the minus strand). VCF-style: chr10-71816704-C-T. GRCh37 (hg19) VCF-style: chr10-73576461-C-T.
Other names: c.*737G>A (NM_001042465.3, NM_001042466.3).
Identifiers: ClinVar variation 879264 (VCV000879264.4), dbSNP rs147046509, ClinGen allele CA209450816.